The following is an entry in ClinVar:

ClinVar aggregate classification (germline): Uncertain significance (1 of 4 stars; one submission).

Conditions:
Porokeratosis 3, disseminated superficial actinic type (POROK3). Also called: POROKERATOSIS, DISSEMINATED SUPERFICIAL ACTINIC, 1; POROKERATOSIS 3, MULTIPLE TYPES; POROKERATOSIS 3, MIBELLI TYPE. Identifiers: MedGen C1867981, MONDO:0008293, OMIM 175900.
Mevalonic aciduria (MEVA). Identifiers: Orphanet 29, MedGen C1959626, MONDO:0012481, OMIM 610377.
Hyperimmunoglobulin D with periodic fever (HIDS). Also called: HYPERIMMUNOGLOBULINEMIA D AND PERIODIC FEVER SYNDROME; Hyperimmunoglobulinemia D; Hyperimmunoglobulinemia D with periodic fever. Identifiers: Orphanet 343, MedGen C0398691, MONDO:0009849, OMIM 260920.

Submission:

Labcorp Genetics (formerly Invitae), Labcorp
Classification: Uncertain significance for Mevalonic aciduria; Hyperimmunoglobulin D with periodic fever; Porokeratosis 3, disseminated superficial actinic type. Last evaluated: 2025-03-18. Review status: criteria provided, single submitter. Criteria: Invitae Variant Classification Sherloc (09022015). Collection method: clinical testing. Allele origin: germline.
Comment: This sequence change replaces threonine, which is neutral and polar, with alanine, which is neutral and non-polar, at codon 356 of the MVK protein (p.Thr356Ala). This variant is not present in population databases (gnomAD no frequency). This variant has not been reported in the literature in individuals affected with MVK-related conditions. ClinVar contains an entry for this variant (Variation ID: 2939519). Invitae Evidence Modeling of protein sequence and biophysical properties (such as structural, functional, and spatial information, amino acid conservation, physicochemical variation, residue mobility, and thermodynamic stability) indicates that this missense variant is not expected to disrupt MVK protein function with a negative predictive value of 95%. In summary, the available evidence is currently insufficient to determine the role of this variant in disease. Therefore, it has been classified as a Variant of Uncertain Significance.

NM_000431.4(MVK):c.1066A>G (p.Thr356Ala)

Gene: MVK (mevalonate kinase; plus strand). Cytogenetic location: 12q24.11.
Variant type: single nucleotide variant.
Coding change: c.1066A>G on transcript NM_000431.4 (MANE Select); coding-DNA position 1066, A replaced by G.
Protein change: p.Thr356Ala; replaces threonine 356 with alanine.
Molecular consequence: missense variant. On other transcripts: synonymous variant (2), non-coding transcript variant (4).
Genome position (GRCh38, 1-based): chr12:109,596,452, A>G. VCF-style: chr12-109596452-A-G. GRCh37 (hg19) VCF-style: chr12-110034257-A-G.
Other names: c.1066A>G, p.Thr356Ala (NM_001114185.3, NM_001414511.1); c.910A>G, p.Thr304Ala (NM_001301182.2); c.1141A>G, p.Thr381Ala (NM_001414512.1); c.1077A>G, p.Pro359= (NM_001414513.1); c.921A>G, p.Pro307= (NM_001414514.1); c.484A>G, p.Thr162Ala (NM_001414515.1); short protein forms T304A, T162A, T381A, T356A.
Identifiers: ClinVar variation 2939519 (VCV002939519.3), dbSNP rs2548642808, ClinGen allele CA386651263.